The following is an entry in ClinVar:

NM_018646.6(TRPV6):c.765G>A (p.Met255Ile)

Gene: TRPV6 (transient receptor potential cation channel subfamily V member 6; minus strand). Cytogenetic location: 7q34.
Variant type: single nucleotide variant.
Coding change: c.765G>A on transcript NM_018646.6 (MANE Select); coding-DNA position 765, G replaced by A.
Protein change: p.Met255Ile; replaces methionine 255 with isoleucine.
Molecular consequence: missense variant.
Genome position (GRCh38, 1-based): chr7:142,876,525, C>T on the plus strand (G>A on the coding strand, the complement: TRPV6 is on the minus strand). VCF-style: chr7-142876525-C-T. GRCh37 (hg19) VCF-style: chr7-142574278-C-T.
Other names: short protein forms M255I.
Identifiers: ClinVar variation 2245366 (VCV002245366.4), dbSNP rs149551206, ClinGen allele CA4532743.
Genomic context (GRCh38, chr7:142,876,525, plus strand): 5'-CACGAGGTCCAGGGGCTGCAGGTGGTCCCCATGTCTGTCGTAGGACAGCAACAGGTTGTA[C>T]ATCTGGCAGGCAAAGGTTTTGTTGGGCTGGAGGATGAGGATGTGTAACACTGTGTTTCCT-3'
Protein context (NP_061116.5, residues 245-265): LQPNKTFACQ[Met255Ile]YNLLLSYDRH

ClinVar aggregate classification (germline): Uncertain significance. Review status: criteria provided, multiple submitters, no conflicts (2 of 4 stars). 2 submissions from 2 submitters: Uncertain significance (2). Last evaluated 2025-02-04.

Conditions:
Inborn genetic diseases. Identifiers: MedGen C0950123, MeSH D030342.

Allele frequency attached by ClinVar (database versions not stated): gnomAD 0.00001; gnomAD exomes 0.00001; TOPMed 0.00001; ExAC 0.00002; ESP Exome Variant Server 0.00008.
gnomAD v4.1: 6 of 1,614,060 alleles (0.00037%); highest among the groups gnomAD compares: African/African-American, 0.0013%; no homozygotes.

Submissions (2):

Labcorp Genetics (formerly Invitae), Labcorp
Classification: Uncertain significance. Last evaluated: 2025-02-04. Review status: criteria provided, single submitter. Criteria: Invitae Variant Classification Sherloc (09022015). Collection method: clinical testing. Allele origin: germline.
Comment: This sequence change replaces methionine, which is neutral and non-polar, with isoleucine, which is neutral and non-polar, at codon 255 of the TRPV6 protein (p.Met255Ile). This variant is present in population databases (rs149551206, gnomAD 0.0009%). This variant has not been reported in the literature in individuals affected with TRPV6-related conditions. ClinVar contains an entry for this variant (Variation ID: 2245366). Experimental studies and prediction algorithms are not available or were not evaluated, and the functional significance of this variant is currently unknown. In summary, the available evidence is currently insufficient to determine the role of this variant in disease. Therefore, it has been classified as a Variant of Uncertain Significance.

Ambry Genetics
Classification: Uncertain significance for Inborn genetic diseases. Last evaluated: 2021-08-16. Review status: criteria provided, single submitter. Criteria: Ambry Variant Classification Scheme 2023. Collection method: clinical testing. Allele origin: germline.